The following is an entry in ClinVar:

NM_002907.4(RECQL):c.350G>A (p.Gly117Asp)

Gene: RECQL (RecQ like helicase; minus strand). Cytogenetic location: 12p12.1.
Variant type: single nucleotide variant.
Coding change: c.350G>A on transcript NM_002907.4 (MANE Select); coding-DNA position 350, G replaced by A.
Protein change: p.Gly117Asp; replaces glycine 117 with aspartic acid.
Molecular consequence: missense variant.
Genome position (GRCh38, 1-based): chr12:21,490,243, C>T on the plus strand (G>A on the coding strand, the complement: RECQL is on the minus strand). VCF-style: chr12-21490243-C-T. GRCh37 (hg19) VCF-style: chr12-21643177-C-T.
Other names: c.350G>A, p.Gly117Asp (NM_032941.3); short protein forms G117D.
Identifiers: ClinVar variation 3944200 (VCV003944200.1).
Genomic context (GRCh38, chr12:21,490,243, plus strand): 5'-TTTTTTTAGTACATACCATCTGAACATAATGCTGGTAACTGGTAACATAAGCTCTTTCCA[C>T]CTCCTGTAGGCATAACAAGAAATACCTCCTTTCCAGCCATTGTTACGTTAATAGTTTCAA-3'
Protein context (NP_002898.2, residues 107-127): KEVFLVMPTG[Gly117Asp]GKSLCYQLPA

ClinVar aggregate classification (germline): Uncertain significance (1 of 4 stars; one submission).

Submission:

Ambry Genetics
Classification: Uncertain significance. Last evaluated: 2025-04-04. Review status: criteria provided, single submitter. Criteria: Ambry Variant Classification Scheme 2023. Collection method: clinical testing. Allele origin: germline.
Comment: The p.G117D variant (also known as c.350G>A), located in coding exon 3 of the RECQL gene, results from a G to A substitution at nucleotide position 350. The glycine at codon 117 is replaced by aspartic acid, an amino acid with similar properties. This amino acid position is conserved. In addition, the in silico prediction for this alteration is inconclusive. Based on the available evidence, the clinical significance of this variant remains unclear.